The following is an entry in ClinVar:

NM_001166108.2(PALLD):c.1965-12739C>T

Gene: PALLD (palladin, cytoskeletal associated protein; plus strand). Cytogenetic location: 4q32.3.
Variant type: single nucleotide variant.
Coding change: c.1965-12739C>T on transcript NM_001166108.2 (MANE Select); 12739 bases into the intron before coding-DNA position 1965, C replaced by T.
Molecular consequence: intron variant. On other transcripts: missense variant (1).
Genome position (GRCh38, 1-based): chr4:168,878,183, C>T. VCF-style: chr4-168878183-C-T. GRCh37 (hg19) VCF-style: chr4-169799334-C-T.
Other names: c.292C>T, p.Pro98Ser (NM_001166110.2); c.1965-12739C>T (NM_016081.4); c.819-12739C>T (NM_001166109.2); c.-157-12739C>T (NM_001367570.1, NM_001367568.1, NM_001367567.1 and 1 more transcripts); short protein forms P98S.
Identifiers: ClinVar variation 4564143 (VCV004564143.1).

ClinVar aggregate classification (germline): Uncertain significance (1 of 4 stars; one submission).

gnomAD v4.1: 12 of 1,512,290 alleles (0.00079%); highest among the groups gnomAD compares: Non-Finnish European, 0.0011%; no homozygotes.

Submission:

Ambry Genetics
Classification: Uncertain significance. Last evaluated: 2025-09-20. Review status: criteria provided, single submitter. Criteria: Ambry Variant Classification Scheme 2023. Collection method: clinical testing. Allele origin: germline.
Comment: The p.P98S variant (also known as c.292C>T), located in coding exon 1 of the PALLD gene, results from a C to T substitution at nucleotide position 292. The proline at codon 98 is replaced by serine, an amino acid with similar properties. This amino acid position is conserved. In addition, this alteration is predicted to be tolerated by in silico analysis. Based on the available evidence, the clinical significance of this variant remains unclear.